The following is an entry in ClinVar:

ClinVar aggregate classification (germline): Uncertain significance (1 of 4 stars; one submission).

Allele frequency attached by ClinVar (database versions not stated): ExAC 0.00001; gnomAD 0.00001; TOPMed 0.00001; gnomAD exomes 0.00003.

Submission:

Labcorp Genetics (formerly Invitae), Labcorp
Classification: Uncertain significance. Last evaluated: 2022-03-04. Review status: criteria provided, single submitter. Criteria: Invitae Variant Classification Sherloc (09022015). Collection method: clinical testing. Allele origin: germline.
Comment: In summary, the available evidence is currently insufficient to determine the role of this variant in disease. Therefore, it has been classified as a Variant of Uncertain Significance. Algorithms developed to predict the effect of missense changes on protein structure and function are either unavailable or do not agree on the potential impact of this missense change (SIFT: "Deleterious"; PolyPhen-2: "Possibly Damaging"; Align-GVGD: "Class C0"). This variant has not been reported in the literature in individuals affected with VCAN-related conditions. This variant is present in population databases (rs766324236, gnomAD 0.007%). This sequence change replaces aspartic acid, which is acidic and polar, with asparagine, which is neutral and polar, at codon 72 of the VCAN protein (p.Asp72Asn).

NM_004385.5(VCAN):c.214G>A (p.Asp72Asn)

Gene: VCAN (versican; plus strand). Cytogenetic location: 5q14.2.
Variant type: single nucleotide variant.
Coding change: c.214G>A on transcript NM_004385.5 (MANE Select); coding-DNA position 214, G replaced by A.
Protein change: p.Asp72Asn; replaces aspartic acid 72 with asparagine.
Molecular consequence: missense variant.
Genome position (GRCh38, 1-based): chr5:83,490,241, G>A. VCF-style: chr5-83490241-G-A. GRCh37 (hg19) VCF-style: chr5-82786060-G-A.
Other names: c.214G>A, p.Asp72Asn (NM_001126336.3, NM_001164097.2, NM_001164098.2); short protein forms D72N.
Identifiers: ClinVar variation 2106934 (VCV002106934.4), dbSNP rs766324236, ClinGen allele CA3332414.